The following is an entry in ClinVar:

NM_177972.3(TUB):c.1387+3G>A

Genes: RIC3 (RIC3 acetylcholine receptor chaperone; minus strand), TUB (TUB bipartite transcription factor; plus strand). Cytogenetic location: 11p15.4.
Variant type: single nucleotide variant.
Coding change: c.1387+3G>A on transcript NM_177972.3 (MANE Select); 3 bases into the intron after coding-DNA position 1387, G replaced by A.
Molecular consequence: intron variant.
Genome position (GRCh38, 1-based): chr11:8,101,000, G>A. VCF-style: chr11-8101000-G-A. GRCh37 (hg19) VCF-style: chr11-8122547-G-A.
Other names: c.1552+3G>A (NM_003320.5).
Identifiers: ClinVar variation 3354824 (VCV003354824.1).
Genomic context (GRCh38, chr11:8,101,000, plus strand): 5'-CATGGGCGCGTCACACAGGCCTCCGTGAAGAACTTCCAGATCATCCATGGCAATGACCGT[G>A]AGTGTTTCTGTCCCTACTCATTATGGTCCGTAGGATACCCAAGGCCCTTAGCGTAGGGTT-3'

ClinVar aggregate classification (germline): Likely benign (0 of 4 stars; one submission).

Conditions:
TUB-related disorder. Also called: TUB-related condition.

gnomAD v4.1: 15 of 1,613,964 alleles (0.00093%); highest among the groups gnomAD compares: African/African-American, 0.0013%; no homozygotes.

Submission:

PreventionGenetics, part of Exact Sciences
Classification: Likely benign for TUB-related condition. Last evaluated: 2023-11-22. Review status: no assertion criteria provided. Collection method: clinical testing. Allele origin: germline.
Comment: This variant is classified as likely benign based on ACMG/AMP sequence variant interpretation guidelines (Richards et al. 2015 PMID: 25741868, with internal and published modifications).